The following is an entry in ClinVar:

ClinVar aggregate classification (germline): Uncertain significance (1 of 4 stars; one submission).

Conditions:
Inborn genetic diseases. Identifiers: MedGen C0950123, MeSH D030342.

gnomAD v4.1: 6 of 1,565,834 alleles (0.00038%); highest among the groups gnomAD compares: Non-Finnish European, 0.00053%; no homozygotes.

Submission:

Ambry Genetics
Classification: Uncertain significance for Inborn genetic diseases. Last evaluated: 2025-05-09. Review status: criteria provided, single submitter. Criteria: Ambry Variant Classification Scheme 2023. Collection method: clinical testing. Allele origin: germline.
Comment: The p.D30H variant (also known as c.88G>C), located in coding exon 2 of the RUNX1 gene, results from a G to C substitution at nucleotide position 88. The aspartic acid at codon 30 is replaced by histidine, an amino acid with similar properties. This amino acid position is not well conserved in available vertebrate species. In addition, this alteration is predicted to be tolerated by in silico analysis. Based on the available evidence, the clinical significance of this variant remains unclear.

NM_001754.5(RUNX1):c.88G>C (p.Asp30His)

Gene: RUNX1 (RUNX family transcription factor 1; minus strand). Cytogenetic location: 21q22.12.
Variant type: single nucleotide variant.
Coding change: c.88G>C on transcript NM_001754.5 (MANE Select); coding-DNA position 88, G replaced by C.
Protein change: p.Asp30His; replaces aspartic acid 30 with histidine.
Molecular consequence: missense variant.
Genome position (GRCh38, 1-based): chr21:34,892,934, C>G on the plus strand (G>C on the coding strand, the complement: RUNX1 is on the minus strand). VCF-style: chr21-34892934-C-G. GRCh37 (hg19) VCF-style: chr21-36265231-C-G.
Other names: short protein forms D30H.
Identifiers: ClinVar variation 3948867 (VCV003948867.1).